The following is an entry in ClinVar:

NM_001160372.4(TRAPPC9):c.1310C>A (p.Pro437His)

Gene: TRAPPC9 (trafficking protein particle complex subunit 9; minus strand). Cytogenetic location: 8q24.3.
Variant type: single nucleotide variant.
Coding change: c.1310C>A on transcript NM_001160372.4 (MANE Select); coding-DNA position 1310, C replaced by A.
Protein change: p.Pro437His; replaces proline 437 with histidine.
Molecular consequence: missense variant. On other transcripts: non-coding transcript variant (1).
Genome position (GRCh38, 1-based): chr8:140,371,005, G>T on the plus strand (C>A on the coding strand, the complement: TRAPPC9 is on the minus strand). VCF-style: chr8-140371005-G-T. GRCh37 (hg19) VCF-style: chr8-141381104-G-T.
Other names: c.1283C>A, p.Pro428His (NM_001321646.2); c.1331C>A, p.Pro444His (NM_001374682.1); c.1310C>A, p.Pro437His (NM_001374683.1, NM_001374684.1, NM_031466.8); short protein forms P437H, P444H, P428H.
Identifiers: ClinVar variation 1034111 (VCV001034111.1), dbSNP rs1247214249, ClinGen allele CA372316841.

ClinVar aggregate classification (germline): Uncertain significance (1 of 4 stars; one submission).

Conditions:
Intellectual developmental disorder, autosomal recessive 13. Also called: Intellectual disability, autosomal recessive 13. Identifiers: Orphanet 88616, MedGen C2750791, MONDO:0013173, OMIM 613192.

Submission:

Baylor Genetics
Classification: Uncertain significance for Intellectual developmental disorder, autosomal recessive 13. Last evaluated: 2018-01-13. Review status: criteria provided, single submitter. Criteria: ACMG Guidelines, 2015. Collection method: clinical testing. Allele origin: unknown. Affected: yes.
Comment: This variant was determined to be of uncertain significance according to ACMG Guidelines, 2015 [PMID:25741868].